The following is an entry in ClinVar:

NM_003835.4(RGS9):c.334C>G (p.Gln112Glu)

Gene: RGS9 (regulator of G protein signaling 9; plus strand). Cytogenetic location: 17q24.1.
Variant type: single nucleotide variant.
Coding change: c.334C>G on transcript NM_003835.4 (MANE Select); coding-DNA position 334, C replaced by G.
Protein change: p.Gln112Glu; replaces glutamine 112 with glutamic acid.
Molecular consequence: missense variant.
Genome position (GRCh38, 1-based): chr17:65,160,557, C>G. VCF-style: chr17-65160557-C-G. GRCh37 (hg19) VCF-style: chr17-63156675-C-G.
Other names: c.334C>G, p.Gln112Glu (NM_001081955.3, NM_001165933.2); short protein forms Q112E.
Identifiers: ClinVar variation 596734 (VCV000596734.11), dbSNP rs370345963, ClinGen allele CA8717610.

ClinVar aggregate classification (germline): Uncertain significance. Review status: criteria provided, multiple submitters, no conflicts (2 of 4 stars). 3 submissions from 3 submitters: Uncertain significance (3). Last evaluated 2024-11-27.

Allele frequency attached by ClinVar (database versions not stated): gnomAD exomes 0.00004; ExAC 0.00005; gnomAD 0.00015 and 0.00017; 1000 Genomes Project 30x 0.00016; TOPMed 0.00018; 1000 Genomes Project 0.00020; ESP Exome Variant Server 0.00025.
gnomAD v4.1: 56 of 1,614,204 alleles (0.0035%); highest among the groups gnomAD compares: African/African-American, 0.067%; no homozygotes.

Submissions (3):

Blueprint Genetics
Classification: Uncertain significance. Last evaluated: 2024-11-27. Review status: criteria provided, single submitter. Criteria: ACMG Guidelines, 2015. Collection method: clinical testing. Allele origin: germline.

Labcorp Genetics (formerly Invitae), Labcorp
Classification: Uncertain significance. Last evaluated: 2024-01-19. Review status: criteria provided, single submitter. Criteria: Invitae Variant Classification Sherloc (09022015). Collection method: clinical testing. Allele origin: germline.
Comment: This sequence change replaces glutamine, which is neutral and polar, with glutamic acid, which is acidic and polar, at codon 112 of the RGS9 protein (p.Gln112Glu). This variant is present in population databases (rs370345963, gnomAD 0.06%). This variant has not been reported in the literature in individuals affected with RGS9-related conditions. ClinVar contains an entry for this variant (Variation ID: 596734). Advanced modeling of protein sequence and biophysical properties (such as structural, functional, and spatial information, amino acid conservation, physicochemical variation, residue mobility, and thermodynamic stability) performed at Invitae indicates that this missense variant is not expected to disrupt RGS9 protein function with a negative predictive value of 80%. In summary, the available evidence is currently insufficient to determine the role of this variant in disease. Therefore, it has been classified as a Variant of Uncertain Significance.

Eurofins Ntd Llc (ga)
Classification: Uncertain significance. Last evaluated: 2018-04-16. Review status: criteria provided, single submitter. Criteria: EGL ClinVar v180209 classification definitions. Collection method: clinical testing. Allele origin: germline. Observed: 1 variant allele, 1 heterozygote.